The following is an entry in ClinVar:

NM_004409.5(DMPK):c.*224CTG[76]

Genes: DM1-AS (DM1 locus antisense RNA; plus strand), DMPK (DM1 protein kinase; minus strand), LOC107075317 (origin of replication in DMPK trinucleotide repeat region; plus strand), LOC109461477 (dystrophia myotonica protein kinase repeat instability region; plus strand). Cytogenetic location: 19q13.32.
Variant type: Microsatellite.
Coding change: c.*224CTG[76] on transcript NM_004409.5 (MANE Select); 76 copies in a row of the 3-base unit CTG starting at c.*224.
Molecular consequence: 3 prime UTR variant.
Genome position: GRCh38, VCF-style position (the base before the change): chr19:45,770,204. GRCh37 (hg19), VCF-style position (the base before the change): chr19:46,273,462.
Other names: DM1 CTG repeat expansion; c.*217CTG[76] (NM_001288765.2, NM_001424162.1, NM_001424163.1 and 2 more transcripts); c.*369CTG[76] (NM_001288766.2, NM_001424164.1, NM_001424168.1); c.*224CTG[76] (NM_001081560.3, NM_001288764.2, NM_001424165.1 and 1 more transcripts); c.*222_*224TGC[76] (NM_001081563.3).
Identifiers: ClinVar variation 188029 (VCV000188029.2), ClinGen allele CA915951859.

ClinVar aggregate classification (germline): Pathogenic (0 of 4 stars; one submission).

Conditions:
Steinert myotonic dystrophy syndrome (DM1). Also called: STEINERT DISEASE; Myotonic dystrophy type 1; Dystrophia myotonica type 1; Steinert myotonic dystrophy; Steinert's disease. Identifiers: Orphanet 273, MedGen C3250443, MONDO:0008056, OMIM 160900.

Submission:

Institute of Molecular, Cell and Systems Biology, University of Glasgow
Classification: Pathogenic for Steinert myotonic dystrophy syndrome. Review status: no assertion criteria provided. Criteria: research. Collection method: research. Allele origin: germline. Inheritance: Autosomal dominant inheritance. Affected: yes. Observed: 1 heterozygote.
Comment: DMPK CTG repeat expansions greater than approximately 45-50 repeats are assumed to be pathogenic

This record is based on data published in PubMed 25052313, which reports only ClinVar accessions SCV000120188 and SCV000120189. The complete data set includes SCV000207445 - SCV000207579.

Literature cited by the submitters: PubMed 1346923; PubMed 1546326; PubMed 25052313.